The following is an entry in ClinVar:

NM_018474.6(KIZ):c.1073A>C (p.Gln358Pro)

Gene: KIZ (kizuna centrosomal protein; plus strand). Cytogenetic location: 20p11.23.
Variant type: single nucleotide variant.
Coding change: c.1073A>C on transcript NM_018474.6 (MANE Select); coding-DNA position 1073, A replaced by C.
Protein change: p.Gln358Pro; replaces glutamine 358 with proline.
Molecular consequence: missense variant.
Genome position (GRCh38, 1-based): chr20:21,162,880, A>C. VCF-style: chr20-21162880-A-C. GRCh37 (hg19) VCF-style: chr20-21143521-A-C.
Other names: c.764A>C, p.Gln255Pro (NM_001163022.3, NM_001352435.2); c.674A>C, p.Gln225Pro (NM_001163023.3); c.926A>C, p.Gln309Pro (NM_001276389.2); c.1073A>C, p.Gln358Pro (NM_001352434.2); c.731A>C, p.Gln244Pro (NM_001352436.2); c.1073A>C (NM_018474.5); short protein forms Q255P, Q358P, Q225P, Q244P, Q309P.
Identifiers: ClinVar variation 957014 (VCV000957014.6), dbSNP rs377067566, ClinGen allele CA9784778.

ClinVar aggregate classification (germline): Uncertain significance. Review status: criteria provided, multiple submitters, no conflicts (2 of 4 stars). 3 submissions from 3 submitters: Uncertain significance (3). Last evaluated 2026-08-11.

Conditions:
KIZ-related disorder. Also called: KIZ-related condition.

Allele frequency attached by ClinVar (database versions not stated): TOPMed 0.00005; gnomAD 0.00006; gnomAD exomes 0.00006; ExAC 0.00008; ESP Exome Variant Server 0.00023.
gnomAD v4.1: 182 of 1,613,446 alleles (0.011%); highest among the groups gnomAD compares: Non-Finnish European, 0.015%; no homozygotes.

Submissions (3):

PreventionGenetics, part of Exact Sciences
Classification: Uncertain significance for KIZ-related condition. Last evaluated: 2026-08-11. Review status: criteria provided, single submitter. Criteria: ACMG Guidelines, 2015. Collection method: clinical testing. Allele origin: germline.
Comment: The KIZ c.1073A>C variant is predicted to result in the amino acid substitution p.Gln358Pro. To our knowledge, this variant has not been reported in the literature. This variant is reported in 0.012% of alleles in individuals of European (Non-Finnish) descent in gnomAD. At this time, the clinical significance of this variant is uncertain due to the absence of conclusive functional and genetic evidence.

Blueprint Genetics
Classification: Uncertain significance. Last evaluated: 2023-09-29. Review status: criteria provided, single submitter. Criteria: ACMG Guidelines, 2015. Collection method: clinical testing. Allele origin: germline.

Labcorp Genetics (formerly Invitae), Labcorp
Classification: Uncertain significance. Last evaluated: 2022-08-15. Review status: criteria provided, single submitter. Criteria: Invitae Variant Classification Sherloc (09022015). Collection method: clinical testing. Allele origin: germline.
Comment: This sequence change replaces glutamine, which is neutral and polar, with proline, which is neutral and non-polar, at codon 358 of the KIZ protein (p.Gln358Pro). This variant is present in population databases (rs377067566, gnomAD 0.01%). This variant has not been reported in the literature in individuals affected with KIZ-related conditions. ClinVar contains an entry for this variant (Variation ID: 957014). In summary, the available evidence is currently insufficient to determine the role of this variant in disease. Therefore, it has been classified as a Variant of Uncertain Significance.